The following is an entry in ClinVar:

ClinVar aggregate classification (germline): Pathogenic (1 of 4 stars; one submission).

Conditions:
Neurofibromatosis, type 1 (NF1). Also called: Peripheral type neurofibromatosis; VON RECKLINGHAUSEN DISEASE; NEUROFIBROMATOSIS, TYPE I, SOMATIC; Neurofibromatosis, type I. Identifiers: Orphanet 636, MedGen C0027831, MONDO:0018975, OMIM 162200. Disease mechanism: loss of function.

Submission:

Labcorp Genetics (formerly Invitae), Labcorp
Classification: Pathogenic for Neurofibromatosis, type 1. Last evaluated: 2021-10-13. Review status: criteria provided, single submitter. Criteria: Invitae Variant Classification Sherloc (09022015). Collection method: clinical testing. Allele origin: germline.
Comment: This variant has not been reported in the literature in individuals affected with NF1-related conditions. For these reasons, this variant has been classified as Pathogenic. This variant is not present in population databases (ExAC no frequency). This sequence change creates a premature translational stop signal (p.Val2297*) in the NF1 gene. It is expected to result in an absent or disrupted protein product. Loss-of-function variants in NF1 are known to be pathogenic (PMID: 10712197, 23913538).

Literature cited by the submitters: PubMed 10712197; PubMed 23913538.

NM_001042492.3(NF1):c.6952del (p.Trp2317_Val2318insTer)

Gene: NF1 (neurofibromin 1; plus strand). Cytogenetic location: 17q11.2.
Variant type: Deletion.
Coding change: c.6952del on transcript NM_001042492.3 (MANE Select); coding-DNA position 6952, one base deleted (G; older notation c.6952delG).
Protein change: p.Trp2317_Val2318insTer.
Molecular consequence: nonsense. On other transcripts: frameshift variant (1).
Genome position (GRCh38, 1-based): chr17:31,340,535, G deleted; the last of 3 consecutive G bases (chr17:31,340,533-31,340,535); deleting any one gives the same sequence. VCF-style (leftmost placement, unchanged base first): chr17-31340532-TG-T. GRCh37 (hg19) VCF-style: chr17-29667550-TG-T.
Other names: c.6889delG, p.Val2297Terfs (NM_000267.4).
Identifiers: ClinVar variation 1438156 (VCV001438156.6), dbSNP rs1057519369, ClinGen allele CA2573153889.